The following is an entry in ClinVar:

NM_006218.4(PIK3CA):c.824G>A (p.Ser275Asn)

Gene: PIK3CA (phosphatidylinositol-4,5-bisphosphate 3-kinase catalytic subunit alpha; plus strand). Cytogenetic location: 3q26.32.
Variant type: single nucleotide variant.
Coding change: c.824G>A on transcript NM_006218.4 (MANE Select); coding-DNA position 824, G replaced by A.
Protein change: p.Ser275Asn; replaces serine 275 with asparagine.
Molecular consequence: missense variant.
Genome position (GRCh38, 1-based): chr3:179,203,554, G>A. VCF-style: chr3-179203554-G-A. GRCh37 (hg19) VCF-style: chr3-178921342-G-A.
Other names: short protein forms S275N.
Identifiers: ClinVar variation 4136778 (VCV004136778.1).

ClinVar aggregate classification (germline): Uncertain significance (1 of 4 stars; one submission).

Conditions:
Inborn genetic diseases. Identifiers: MedGen C0950123, MeSH D030342.

gnomAD v4.1: 1 of 1,613,374 alleles (0.000062%); highest among the groups gnomAD compares: Non-Finnish European, 0.000085%; no homozygotes.

Submission:

Ambry Genetics
Classification: Uncertain significance for Inborn genetic diseases. Last evaluated: 2025-06-15. Review status: criteria provided, single submitter. Criteria: Ambry Variant Classification Scheme 2023. Collection method: clinical testing. Allele origin: germline.
Comment: The p.S275N variant (also known as c.824G>A), located in coding exon 4 of the PIK3CA gene, results from a G to A substitution at nucleotide position 824. The serine at codon 275 is replaced by asparagine, an amino acid with highly similar properties. This amino acid position is conserved. In addition, this alteration is predicted to be tolerated by in silico analysis. Based on the available evidence, the clinical significance of this variant remains unclear.